The following is an entry in ClinVar:

NM_021973.3(HAND2):c.385G>A (p.Val129Ile)

Genes: HAND2-AS1 (HAND2 antisense RNA 1; plus strand), HAND2 (heart and neural crest derivatives expressed 2; minus strand). Cytogenetic location: 4q34.1.
Variant type: single nucleotide variant.
Coding change: c.385G>A on transcript NM_021973.3 (MANE Select); coding-DNA position 385, G replaced by A.
Protein change: p.Val129Ile; replaces valine 129 with isoleucine.
Molecular consequence: missense variant.
Genome position (GRCh38, 1-based): chr4:173,528,905, C>T on the plus strand (G>A on the coding strand, the complement: HAND2 is on the minus strand). VCF-style: chr4-173528905-C-T. GRCh37 (hg19) VCF-style: chr4-174450056-C-T.
Other names: short protein forms V129I.
Identifiers: ClinVar variation 2633648 (VCV002633648.1), dbSNP rs199503638, ClinGen allele CA358758896.

ClinVar aggregate classification (germline): Uncertain significance (1 of 4 stars; one submission).

Conditions:
HAND2-related disorder. Also called: HAND2-related condition.

Submission:

PreventionGenetics, part of Exact Sciences
Classification: Uncertain significance for HAND2-related condition. Last evaluated: 2023-03-02. Review status: criteria provided, single submitter. Criteria: ACMG Guidelines, 2015. Collection method: clinical testing. Allele origin: germline.
Comment: The HAND2 c.385G>A variant is predicted to result in the amino acid substitution p.Val129Ile. To our knowledge, this variant has not been reported in the literature or in a large population database, indicating this variant is rare. At this time, the clinical significance of this variant is uncertain due to the absence of conclusive functional and genetic evidence.